The following is an entry in ClinVar:

NM_014049.5(ACAD9):c.1150-10C>T

Gene: ACAD9 (acyl-CoA dehydrogenase family member 9; plus strand). Cytogenetic location: 3q21.3.
Variant type: single nucleotide variant.
Coding change: c.1150-10C>T on transcript NM_014049.5 (MANE Select); 10 bases into the intron before coding-DNA position 1150, C replaced by T.
Molecular consequence: intron variant.
Genome position (GRCh38, 1-based): chr3:128,906,111, C>T. VCF-style: chr3-128906111-C-T. GRCh37 (hg19) VCF-style: chr3-128624954-C-T.
Other names: c.781-10C>T (NM_001410805.1); c.1150-10C>T (NM_014049.4).
Identifiers: ClinVar variation 3017990 (VCV003017990.5), dbSNP rs779901123, ClinGen allele CA2601420.
Genomic context (GRCh38, chr3:128,906,111, plus strand): 5'-CTCCCCAGCCACCCAGCTCCCTGCAGCGTAGGTCCTCCTTTTGGAAAGGATTCAGTGTGA[C>T]ACCCCACAGGTGTTCAGCTCCGAGGCCGCCTGGCAGTGTGTGAGTGAGGCGCTGCAGATC-3'

ClinVar aggregate classification (germline): Likely benign. Review status: criteria provided, single submitter (1 of 4 stars). 2 submissions from 2 submitters: Likely benign (1). 1 of the submissions does not count toward it. Last evaluated 2024-02-05.

Conditions:
ACAD9-related disorder. Also called: ACAD9-related condition.

Allele frequency attached by ClinVar (database versions not stated): TOPMed below 0.00001; ExAC 0.00001; gnomAD 0.00001; gnomAD exomes 0.00001.
gnomAD v4.1: 7 of 1,614,048 alleles (0.00043%); highest among the groups gnomAD compares: Non-Finnish European, 0.00059%; no homozygotes.

Submissions (2):

Labcorp Genetics (formerly Invitae), Labcorp
Classification: Likely benign. Last evaluated: 2024-02-05. Review status: criteria provided, single submitter. Criteria: Invitae Variant Classification Sherloc (09022015). Collection method: clinical testing. Allele origin: germline.

PreventionGenetics, part of Exact Sciences
Classification: Likely benign for ACAD9-related condition. Last evaluated: 2022-12-13. Review status: no assertion criteria provided. Collection method: clinical testing. Allele origin: germline. Not counted in ClinVar's aggregate classification.
Comment: This variant is classified as likely benign based on ACMG/AMP sequence variant interpretation guidelines (Richards et al. 2015 PMID: 25741868, with internal and published modifications).